The following is an entry in ClinVar:

ClinVar aggregate classification (germline): Likely pathogenic (1 of 4 stars; one submission).

Conditions:
Nemaline myopathy 10 (NEM10). Identifiers: MedGen C4015360, MONDO:0014513, OMIM 616165.

Submission:

Kariminejad - Najmabadi Pathology & Genetics Center
Classification: Likely pathogenic for Nemaline myopathy 10. Last evaluated: 2024-05-15. Review status: criteria provided, single submitter. Criteria: ACMG Guidelines, 2015. Collection method: clinical testing. Allele origin: germline. Inheritance: Autosomal recessive inheritance. Affected: yes.
Comment: PVS1_Strong,PM2_Moderate

NM_198271.5(LMOD3):c.601_602del (p.Asp201fs)

Gene: LMOD3 (leiomodin 3; minus strand). Cytogenetic location: 3p14.1.
Variant type: Microsatellite.
Coding change: c.601_602del on transcript NM_198271.5 (MANE Select); coding-DNA positions 601 to 602, 2 bases deleted (GA; older notation c.601_602delGA).
Protein change: p.Asp201fs; shifts the reading frame from aspartic acid 201.
Molecular consequence: frameshift variant.
Genome position (GRCh38, 1-based): chr3:69,119,753-69,119,754, TC deleted on the plus strand (GA on the coding strand, the reverse complement: LMOD3 is on the minus strand); deleting any 2 consecutive bases within chr3:69,119,753-69,119,759 gives the same sequence; the c. name uses the placement nearest the transcript's 3' end. VCF-style (leftmost placement, unchanged base first): chr3-69119752-GTC-G. GRCh37 (hg19) VCF-style: chr3-69168903-GTC-G.
Other names: c.601_602del, p.Asp201fs (NM_001304418.3); short protein forms D201fs.
Identifiers: ClinVar variation 3896904 (VCV003896904.1).